The following is an entry in ClinVar:

ClinVar aggregate classification (germline): Benign (1 of 4 stars; one submission).

Allele frequency attached by ClinVar (database versions not stated): TOPMed 0.00001; gnomAD 0.00003; gnomAD exomes 0.00004; 1000 Genomes Project 0.00040; 1000 Genomes Project 30x 0.00047.
gnomAD v4.1: 15 of 398,624 alleles (0.0038%); highest among the groups gnomAD compares: South Asian, 0.19%; no homozygotes.

Submission:

CeGaT Center for Human Genetics Tuebingen
Classification: Benign. Last evaluated: 2023-03-01. Review status: criteria provided, single submitter. Criteria: CeGaT Center For Human Genetics Tuebingen Variant Classification Criteria Version 2. Collection method: clinical testing. Allele origin: germline. Affected: yes. Observed: 1 variant allele.
Comment: KCNQ1OT1: BS1, BS2

NM_000218.3(KCNQ1):c.1514+29267C>A

Genes: KCNQ1 (potassium voltage-gated channel subfamily Q member 1; plus strand), KCNQ1OT1 (KCNQ1 opposite strand/antisense transcript 1; minus strand). Cytogenetic location: 11p15.5.
Variant type: single nucleotide variant.
Coding change: c.1514+29267C>A on transcript NM_000218.3 (MANE Select); 29267 bases into the intron after coding-DNA position 1514, C replaced by A.
Molecular consequence: intron variant. On other transcripts: non-coding transcript variant (1).
Genome position (GRCh38, 1-based): chr11:2,691,348, C>A. VCF-style: chr11-2691348-C-A. GRCh37 (hg19) VCF-style: chr11-2712578-C-A.
Other names: c.1244+29267C>A (NM_001406837.1); c.1418+29267C>A (NM_001406836.1); c.974+29267C>A (NM_001406838.1); c.1133+29267C>A (NM_181798.2).
Identifiers: ClinVar variation 2641488 (VCV002641488.24), dbSNP rs534864134, ClinGen allele CA216192800.